The following is an entry in ClinVar:

NM_000135.4(FANCA):c.1397G>A (p.Ser466Asn)

Gene: FANCA (FA complementation group A; minus strand). Cytogenetic location: 16q24.3.
Variant type: single nucleotide variant.
Coding change: c.1397G>A on transcript NM_000135.4 (MANE Select); coding-DNA position 1397, G replaced by A.
Protein change: p.Ser466Asn; replaces serine 466 with asparagine.
Molecular consequence: missense variant.
Genome position (GRCh38, 1-based): chr16:89,784,927, C>T on the plus strand (G>A on the coding strand, the complement: FANCA is on the minus strand). VCF-style: chr16-89784927-C-T. GRCh37 (hg19) VCF-style: chr16-89851335-C-T.
Other names: c.1397G>A, p.Ser466Asn (NM_001286167.3); short protein forms S466N.
Identifiers: ClinVar variation 4619185 (VCV004619185.1).

ClinVar aggregate classification (germline): Uncertain significance (1 of 4 stars; one submission).

Conditions:
Inborn genetic diseases. Identifiers: MedGen C0950123, MeSH D030342.

gnomAD v4.1: 1 of 1,614,020 alleles (0.000062%); highest among the groups gnomAD compares: African/African-American, 0.0013%; no homozygotes.

Submission:

Ambry Genetics
Classification: Uncertain significance for Inborn genetic diseases. Last evaluated: 2025-10-01. Review status: criteria provided, single submitter. Criteria: Ambry Variant Classification Scheme 2023. Collection method: clinical testing. Allele origin: germline.
Comment: The p.S466N variant (also known as c.1397G>A), located in coding exon 15 of the FANCA gene, results from a G to A substitution at nucleotide position 1397. The serine at codon 466 is replaced by asparagine, an amino acid with highly similar properties. This amino acid position is conserved. In addition, the in silico prediction for this alteration is inconclusive. Based on the available evidence, the clinical significance of this variant remains unclear.